The following is an entry in ClinVar:

NM_000368.5(TSC1):c.663+8G>A

Gene: TSC1 (TSC complex subunit 1; minus strand). Cytogenetic location: 9q34.13.
Variant type: single nucleotide variant.
Coding change: c.663+8G>A on transcript NM_000368.5 (MANE Select); 8 bases into the intron after coding-DNA position 663, G replaced by A.
Molecular consequence: intron variant.
Genome position (GRCh38, 1-based): chr9:132,921,811, C>T on the plus strand (G>A on the coding strand, the complement: TSC1 is on the minus strand). VCF-style: chr9-132921811-C-T. GRCh37 (hg19) VCF-style: chr9-135797198-C-T.
Other names: c.300+8G>A (NM_001362177.2); c.510+8G>A (NM_001162427.2); c.663+8G>A (NM_001162426.2).
Identifiers: ClinVar variation 1119057 (VCV001119057.11), dbSNP rs1288691986, ClinGen allele CA591050536.
Genomic context (GRCh38, chr9:132,921,811, plus strand): 5'-AAAAGGTATAAATGCAGCCTATCTAAACAGTATACTAAGTAGCAAACAAACAAGCAGTTT[C>T]AATTTACCTTGACCACTTCTTCAAAAGTCTCCAGGTTTTCTTTCATACTGTAATGAGAAC-3'

ClinVar aggregate classification (germline): Conflicting classifications of pathogenicity. Review status: criteria provided, conflicting classifications (1 of 4 stars). 3 submissions from 3 submitters: Uncertain significance (1); Likely benign (2). Last evaluated 2026-01-02.

Conditions:
Tuberous sclerosis 1 (TSC1). Identifiers: Orphanet 805, MedGen C1854465, MONDO:0008612, OMIM 191100.

Allele frequency attached by ClinVar (database versions not stated): gnomAD exomes below 0.00001 and 0.00001; TOPMed 0.00001.

Submissions (3):

Labcorp Genetics (formerly Invitae), Labcorp
Classification: Likely benign for Tuberous sclerosis 1. Last evaluated: 2026-01-02. Review status: criteria provided, single submitter. Criteria: Invitae Variant Classification Sherloc (09022015). Collection method: clinical testing. Allele origin: germline.

Myriad Genetics, Inc.
Classification: Likely benign for Tuberous sclerosis 1. Last evaluated: 2025-04-08. Review status: criteria provided, single submitter. Criteria: Myriad Autosomal Dominant, Autosomal Recessive and X-Linked Classification Criteria (2023). Collection method: clinical testing. Allele origin: unknown.
Comment: This variant is considered likely benign. This variant is intronic and is not expected to impact mRNA splicing.

Women's Health and Genetics/Laboratory Corporation of America, LabCorp
Classification: Uncertain significance. Last evaluated: 2025-03-21. Review status: criteria provided, single submitter. Criteria: LabCorp Variant Classification Summary - May 2015. Collection method: clinical testing. Allele origin: germline.
Comment: Variant summary: TSC1 c.663+8G>A alters a nucleotide located close to a canonical splice site and therefore could affect mRNA splicing, leading to a significantly altered protein sequence. Consensus agreement among computation tools predict no significant impact on normal splicing. However, these predictions have yet to be confirmed by functional studies. The variant allele was found at a frequency of 8e-06 in 251350 control chromosomes (gnomAD). The available data on variant occurrences in the general population are insufficient to allow any conclusion about variant significance. To our knowledge, no occurrence of c.663+8G>A in individuals affected with Tuberous Sclerosis Complex and no experimental evidence demonstrating its impact on protein function have been reported. ClinVar contains an entry for this variant (Variation ID: 1119057). Based on the evidence outlined above, the variant was classified as uncertain significance.